The following is an entry in ClinVar:

NM_021930.6(RINT1):c.839+1G>A

Gene: RINT1 (RAD50 interactor 1; plus strand). Cytogenetic location: 7q22.3.
Variant type: single nucleotide variant.
Coding change: c.839+1G>A on transcript NM_021930.6 (MANE Select); the canonical splice donor site of the intron after coding-DNA position 839, G replaced by A.
Molecular consequence: splice donor variant. On other transcripts: intron variant (1).
Genome position (GRCh38, 1-based): chr7:105,547,334, G>A. VCF-style: chr7-105547334-G-A. GRCh37 (hg19) VCF-style: chr7-105187781-G-A.
Other names: c.-181+1G>A (NM_001346600.2); c.-84+1G>A (NM_001346601.2); c.-27-2721G>A (NM_001346603.2); c.605+1G>A (NM_001346599.2).
Identifiers: ClinVar variation 1984736 (VCV001984736.4), dbSNP rs1042754408, ClinGen allele CA164055556.
Genomic context (GRCh38, chr7:105,547,334, plus strand): 5'-CCCGGAGATATACAGTTACCTGGAGACACTGTTTTGTCAGCTTTTGAAACTACAAACCTC[G>A]TATCTTTGTTGCAGCTGAAAACTTACTAAAATTTCTTTTTTCTAGAATGGGTTTGTGGCT-3'

ClinVar aggregate classification (germline): Likely pathogenic (1 of 4 stars; one submission).

Allele frequency attached by ClinVar (database versions not stated): gnomAD exomes below 0.00001; gnomAD 0.00001; TOPMed 0.00001.

Submission:

Labcorp Genetics (formerly Invitae), Labcorp
Classification: Likely pathogenic. Last evaluated: 2023-01-15. Review status: criteria provided, single submitter. Criteria: Invitae Variant Classification Sherloc (09022015). Collection method: clinical testing. Allele origin: germline.
Comment: In summary, the currently available evidence indicates that the variant is pathogenic, but additional data are needed to prove that conclusively. Therefore, this variant has been classified as Likely Pathogenic. This variant has not been reported in the literature in individuals affected with RINT1-related conditions. This variant is not present in population databases (gnomAD no frequency). This sequence change affects a donor splice site in intron 6 of the RINT1 gene. It is expected to disrupt RNA splicing. Variants that disrupt the donor or acceptor splice site typically lead to a loss of protein function (PMID: 16199547), and loss-of-function variants in RINT1 are known to be pathogenic (PMID: 31204009).

Literature cited by the submitters: PubMed 16199547; PubMed 31204009.